The following is an entry in ClinVar:

ClinVar aggregate classification (germline): Uncertain significance (1 of 4 stars; one submission).

Conditions:
Spastic paraplegia. Identifiers: MedGen C0037772, HP:0001258.

gnomAD v4.1: 1 of 1,613,670 alleles (0.000062%); highest among the groups gnomAD compares: Non-Finnish European, 0.000085%; no homozygotes.

Submission:

Labcorp Genetics (formerly Invitae), Labcorp
Classification: Uncertain significance for Spastic paraplegia. Last evaluated: 2023-10-06. Review status: criteria provided, single submitter. Criteria: Invitae Variant Classification Sherloc (09022015). Collection method: clinical testing. Allele origin: germline.
Comment: This sequence change replaces glutamine, which is neutral and polar, with glutamic acid, which is acidic and polar, at codon 6 of the VAMP1 protein (p.Gln6Glu). This variant is not present in population databases (gnomAD no frequency). This variant has not been reported in the literature in individuals affected with VAMP1-related conditions. An algorithm developed to predict the effect of missense changes on protein structure and function (PolyPhen-2) suggests that this variant is likely to be disruptive. In summary, the available evidence is currently insufficient to determine the role of this variant in disease. Therefore, it has been classified as a Variant of Uncertain Significance.

NM_014231.5(VAMP1):c.16C>G (p.Gln6Glu)

Genes: TAPBPL (TAP binding protein like; plus strand), VAMP1 (vesicle associated membrane protein 1; minus strand). Cytogenetic location: 12p13.31.
Variant type: single nucleotide variant.
Coding change: c.16C>G on transcript NM_014231.5 (MANE Select); coding-DNA position 16, C replaced by G.
Protein change: p.Gln6Glu; replaces glutamine 6 with glutamic acid.
Molecular consequence: missense variant.
Genome position (GRCh38, 1-based): chr12:6,466,338, G>C on the plus strand (C>G on the coding strand, the complement: VAMP1 is on the minus strand). VCF-style: chr12-6466338-G-C. GRCh37 (hg19) VCF-style: chr12-6575504-G-C.
Other names: c.16C>G, p.Gln6Glu (NM_001297438.2, NM_016830.4, NM_199245.3); short protein forms Q6E.
Identifiers: ClinVar variation 3017998 (VCV003017998.3), dbSNP rs2540074929, ClinGen allele CA383559933.
Genomic context (GRCh38, chr12:6,466,338, plus strand): 5'-GAGGAGGGCCAGGGGGACCCCCACCTGGGGCAGTCCCTTCTGTCCCTTCAGCAGGTGGCT[G>C]AGCTGGAGCAGACCTGTGGAAAGACATGTGCAGAGTACACAAAGTGACCAAGACAAGAAA-3'
Protein context (NP_055046.1, residues 1-16): MSAPA[Gln6Glu]PPAEGTEGTA